The following is an entry in ClinVar:

NM_001348323.3(TRIP12):c.2071G>A (p.Val691Ile)

Gene: TRIP12 (thyroid hormone receptor interactor 12; minus strand). Cytogenetic location: 2q36.3.
Variant type: single nucleotide variant.
Coding change: c.2071G>A on transcript NM_001348323.3 (MANE Select); coding-DNA position 2071, G replaced by A.
Protein change: p.Val691Ile; replaces valine 691 with isoleucine.
Molecular consequence: missense variant.
Genome position (GRCh38, 1-based): chr2:229,811,030, C>T on the plus strand (G>A on the coding strand, the complement: TRIP12 is on the minus strand). VCF-style: chr2-229811030-C-T. GRCh37 (hg19) VCF-style: chr2-230675746-C-T.
Other names: c.2071G>A, p.Val691Ile (NM_001284214.2, NM_001348315.2, NM_001348319.1 and 11 more transcripts); c.1945G>A, p.Val649Ile (NM_001284215.2, NM_001348316.2, NM_001348317.1 and 2 more transcripts); c.1036G>A, p.Val346Ile (NM_001284216.2); c.1984G>A, p.Val662Ile (NM_001348332.1); c.1927G>A, p.Val643Ile (NM_004238.3); short protein forms V346I, V643I, V649I, V662I, V691I.
Identifiers: ClinVar variation 3377697 (VCV003377697.1).

ClinVar aggregate classification (germline): Uncertain significance (1 of 4 stars; one submission).

Conditions:
Clark-Baraitser syndrome. Also called: BARAITSER SYNDROME; Mental retardation, tall stature, obesity, macrocephaly and typical facial features; Intellectual disability, autosomal dominant 49; MENTAL RETARDATION, AUTOSOMAL DOMINANT 49. Identifiers: Orphanet 600731, MedGen C2931130, MONDO:0030914, OMIM 617752.

Submission:

Neuberg Centre For Genomic Medicine, NCGM
Classification: Uncertain significance for Clark-Baraitser syndrome. Last evaluated: 2023-06-22. Review status: criteria provided, single submitter. Criteria: ACMG Guidelines, 2015. Collection method: clinical testing. Allele origin: germline. Inheritance: Autosomal dominant inheritance. Affected: yes.
Comment: The missense variant c.2071G>A(p.Val691Ile) in TRIP12 gene has not been reported previously as a pathogenic variant nor as a benign variant, to our knowledge. The observed variant is absent in gnomAD exomes database. This variant has not been submitted to the ClinVar database. Multiple lines of computational evidence (Polyphen - possibly damaging, SIFT - tolerated and MutationTaster - disease causing) predicts conflicting evidence on protein structure and function for this variant. The reference amino acid change p.Val691Ile in TRIP12 is predicted as conserved by GERP++ and PhyloP across 100 vertebrates. The amino acid Val at position 691 is changed to a Ile changing protein sequence and it might alter its composition and physico-chemical properties. For these reasons, this variant has been classified as Uncertain Significance (VUS).